The following is an entry in ClinVar:

ClinVar aggregate classification (germline): Pathogenic (1 of 4 stars; one submission).

Conditions:
Hydrocephalus, nonsyndromic, autosomal recessive 1 (HYC1). Also called: Hydrocephalus, nonsyndromic, autosomal recessive; Congenital hydrocephalus 1. Identifiers: Orphanet 2185, MedGen C3887608, MONDO:0009360, OMIM 236600.

gnomAD v4.1: 1 of 1,608,172 alleles (0.000062%); highest among the groups gnomAD compares: Non-Finnish European, 0.000085%; no homozygotes.

Submission:

Myriad Genetics, Inc.
Classification: Pathogenic for Hydrocephalus, nonsyndromic, autosomal recessive 1. Last evaluated: 2025-03-18. Review status: criteria provided, single submitter. Criteria: Myriad Autosomal Dominant, Autosomal Recessive and X-Linked Classification Criteria (2023). Collection method: clinical testing. Allele origin: unknown.
Comment: NM_001080414.3(CCDC88C):c.2314C>T(Q772*) is expected to be pathogenic in the context of congenital hydrocephalus, CCDC88C-related. This variant is predicted to lead to an abnormal or absent protein product due to the creation of a premature termination codon in CCDC88C, a gene where loss-of-function variants are known to be pathogenic. Please note: this variant was assessed in the context of healthy population screening.

NM_001080414.4(CCDC88C):c.2314C>T (p.Gln772Ter)

Gene: CCDC88C (coiled-coil and HOOK domain protein 88C; minus strand). Cytogenetic location: 14q32.11.
Variant type: single nucleotide variant.
Coding change: c.2314C>T on transcript NM_001080414.4 (MANE Select); coding-DNA position 2314, C replaced by T.
Protein change: p.Gln772Ter; replaces glutamine 772 with a stop codon.
Molecular consequence: nonsense. On other transcripts: non-coding transcript variant (2).
Genome position (GRCh38, 1-based): chr14:91,313,502, G>A on the plus strand (C>T on the coding strand, the complement: CCDC88C is on the minus strand). VCF-style: chr14-91313502-G-A. GRCh37 (hg19) VCF-style: chr14-91779846-G-A.
Other names: short protein forms Q772*.
Identifiers: ClinVar variation 5014228 (VCV005014228.1).